The following is an entry in ClinVar:

ClinVar aggregate classification (germline): Likely benign (1 of 4 stars; one submission).

Allele frequency attached by ClinVar (database versions not stated): TOPMed 0.00001; gnomAD 0.00002.
gnomAD v4.1: 3 of 1,613,988 alleles (0.00019%); highest among the groups gnomAD compares: African/African-American, 0.004%; no homozygotes.

Submission:

GeneDx
Classification: Likely benign. Last evaluated: 2017-01-19. Review status: criteria provided, single submitter. Criteria: GeneDx Variant Classification (06012015). Collection method: clinical testing. Allele origin: germline. Affected: yes.
Comment: This variant is considered likely benign or benign based on one or more of the following criteria: it is a conservative change, it occurs at a poorly conserved position in the protein, it is predicted to be benign by multiple in silico algorithms, and/or has population frequency not consistent with disease.

NM_000448.3(RAG1):c.737C>T (p.Ala246Val)

Gene: RAG1 (recombination activating 1; plus strand). Cytogenetic location: 11p12.
Variant type: single nucleotide variant.
Coding change: c.737C>T on transcript NM_000448.3 (MANE Select); coding-DNA position 737, C replaced by T.
Protein change: p.Ala246Val; replaces alanine 246 with valine.
Molecular consequence: missense variant.
Genome position (GRCh38, 1-based): chr11:36,574,041, C>T. VCF-style: chr11-36574041-C-T. GRCh37 (hg19) VCF-style: chr11-36595591-C-T.
Other names: c.737C>T, p.Ala246Val (NM_001377277.1, NM_001377278.1, NM_001377279.1 and 1 more transcripts); short protein forms A246V.
Identifiers: ClinVar variation 506969 (VCV000506969.1), dbSNP rs1329911475, ClinGen allele CA380149505.